The following is an entry in ClinVar:

ClinVar aggregate classification (germline): Likely benign (0 of 4 stars; one submission).

Conditions:
LMO7-related disorder. Also called: LMO7-related condition.

Allele frequency attached by ClinVar (database versions not stated): TOPMed 0.00002; ESP Exome Variant Server 0.00008; gnomAD 0.00010; gnomAD exomes 0.00010; ExAC 0.00035; 1000 Genomes Project 0.00120; 1000 Genomes Project 30x 0.00187.
gnomAD v4.1: 163 of 1,613,336 alleles (0.01%); highest among the groups gnomAD compares: South Asian, 0.16%; 3 homozygotes.

Submission:

PreventionGenetics, part of Exact Sciences
Classification: Likely benign for LMO7-related condition. Last evaluated: 2024-01-03. Review status: no assertion criteria provided. Collection method: clinical testing. Allele origin: germline.
Comment: This variant is classified as likely benign based on ACMG/AMP sequence variant interpretation guidelines (Richards et al. 2015 PMID: 25741868, with internal and published modifications).

NM_001306080.2(LMO7):c.2263G>A (p.Asp755Asn)

Gene: LMO7 (LIM domain 7; plus strand). Cytogenetic location: 13q22.2.
Variant type: single nucleotide variant.
Coding change: c.2263G>A on transcript NM_001306080.2 (MANE Select); coding-DNA position 2263, G replaced by A.
Protein change: p.Asp755Asn; replaces aspartic acid 755 with asparagine.
Molecular consequence: missense variant.
Genome position (GRCh38, 1-based): chr13:75,821,232, G>A. VCF-style: chr13-75821232-G-A. GRCh37 (hg19) VCF-style: chr13-76395368-G-A.
Other names: c.1564G>A, p.Asp522Asn (NM_001330583.1, NM_001366632.2, NM_015842.2); c.2137G>A, p.Asp713Asn (NM_001366633.2); c.1282G>A, p.Asp428Asn (NM_001366634.2, NM_001366636.2); c.1417G>A, p.Asp473Asn (NM_005358.5); short protein forms D428N, D473N, D522N, D713N, D755N.
Identifiers: ClinVar variation 3053977 (VCV003053977.2), dbSNP rs370670178, ClinGen allele CA7005741.